The following is an entry in ClinVar:

ClinVar aggregate classification (germline): Uncertain significance. Review status: criteria provided, multiple submitters, no conflicts (2 of 4 stars). 2 submissions from 2 submitters: Uncertain significance (2). Last evaluated 2023-07-16.

Allele frequency attached by ClinVar (database versions not stated): gnomAD exomes below 0.00001.
gnomAD v4.1: 7 of 1,614,238 alleles (0.00043%); highest among the groups gnomAD compares: East Asian, 0.0022%; no homozygotes.

Submissions (2):

Labcorp Genetics (formerly Invitae), Labcorp
Classification: Uncertain significance. Last evaluated: 2023-07-16. Review status: criteria provided, single submitter. Criteria: Invitae Variant Classification Sherloc (09022015). Collection method: clinical testing. Allele origin: germline.
Comment: In summary, the available evidence is currently insufficient to determine the role of this variant in disease. Therefore, it has been classified as a Variant of Uncertain Significance. Advanced modeling of protein sequence and biophysical properties (such as structural, functional, and spatial information, amino acid conservation, physicochemical variation, residue mobility, and thermodynamic stability) performed at Invitae indicates that this missense variant is not expected to disrupt RP1L1 protein function. This variant has not been reported in the literature in individuals affected with RP1L1-related conditions. This variant is not present in population databases (gnomAD no frequency). This sequence change replaces phenylalanine, which is neutral and non-polar, with cysteine, which is neutral and slightly polar, at codon 191 of the RP1L1 protein (p.Phe191Cys).

Blueprint Genetics
Classification: Uncertain significance. Last evaluated: 2022-10-17. Review status: criteria provided, single submitter. Criteria: ACMG Guidelines, 2015. Collection method: clinical testing. Allele origin: germline.

NM_178857.6(RP1L1):c.572T>G (p.Phe191Cys)

Gene: RP1L1 (RP1 like 1). Cytogenetic location: 8p23.1.
Variant type: single nucleotide variant.
Coding change: c.572T>G on transcript NM_178857.6 (MANE Select); coding-DNA position 572, T replaced by G.
Protein change: p.Phe191Cys; replaces phenylalanine 191 with cysteine.
Molecular consequence: missense variant.
Genome position (GRCh38, 1-based): chr8:10,622,630, A>C on the plus strand (T>G on the coding strand, the complement: RP1L1 is on the minus strand). VCF-style: chr8-10622630-A-C. GRCh37 (hg19) VCF-style: chr8-10480140-A-C.
Other names: short protein forms F191C.
Identifiers: ClinVar variation 2744011 (VCV002744011.4), dbSNP rs2486317972, ClinGen allele CA370299771.